The following is an entry in ClinVar:

ClinVar aggregate classification (germline): Pathogenic/Likely pathogenic. Review status: criteria provided, multiple submitters, no conflicts (2 of 4 stars). 3 submissions from 3 submitters: Pathogenic (1); Likely pathogenic (2). Last evaluated 2025-08-06.

Conditions:
Troyer syndrome (SPG20). Identifiers: Orphanet 101000, MedGen C0393559, MONDO:0010156, OMIM 275900.

Submissions (3):

Labcorp Genetics (formerly Invitae), Labcorp
Classification: Pathogenic. Last evaluated: 2025-08-06. Review status: criteria provided, single submitter. Criteria: Invitae Variant Classification Sherloc (09022015). Collection method: clinical testing. Allele origin: germline.
Comment: This sequence change creates a premature translational stop signal (p.Val233Cysfs*8) in the SPART gene. It is expected to result in an absent or disrupted protein product. Loss-of-function variants in SPART are known to be pathogenic (PMID: 18413476, 20437587, 20504295). This variant is present in population databases (rs770560051, gnomAD 0.004%). This variant has not been reported in the literature in individuals affected with SPART-related conditions. ClinVar contains an entry for this variant (Variation ID: 1878642). For these reasons, this variant has been classified as Pathogenic.

GeneDx
Classification: Likely pathogenic. Last evaluated: 2023-02-27. Review status: criteria provided, single submitter. Criteria: GeneDx Variant Classification Process June 2021. Collection method: clinical testing. Allele origin: germline. Affected: yes.
Comment: Frameshift variant predicted to result in protein truncation or nonsense mediated decay in a gene for which loss of function is a known mechanism of disease; Not observed at significant frequency in large population cohorts (gnomAD); Has not been previously published as pathogenic or benign to our knowledge

Neuberg Centre For Genomic Medicine, NCGM
Classification: Likely pathogenic for Troyer syndrome. Review status: criteria provided, single submitter. Criteria: ACMG Guidelines, 2015. Collection method: clinical testing. Allele origin: germline. Affected: yes.
Comment: The frameshift duplication p.V233Cfs*8 in SPG20 (NM_015087.4) has not been reported previously as a pathogenic variant nor as a benign variant, to our knowledge. The p.V233Cfs*8 variant is observed in 2/1,13,524 (0.0018%) alleles from individuals of European (Non-Finnish) background in gnomAD Exomes and is novel (not in any individuals) in 1000 Genomes. This variant is predicted to cause loss of normal protein function through protein truncation. Loss of function variants have been reported previously to be disease causing in SPG20. For these reasons, this variant has been classified as Likely Pathogenic.

Literature cited by the submitters: PubMed 18413476 (cited by Labcorp Genetics (formerly Invitae), Labcorp); PubMed 20437587 (cited by Labcorp Genetics (formerly Invitae), Labcorp); PubMed 20504295 (cited by Labcorp Genetics (formerly Invitae), Labcorp).

NM_015087.5(SPART):c.696dup (p.Val233fs)

Gene: SPART (spartin; minus strand). Cytogenetic location: 13q13.3.
Variant type: Duplication.
Coding change: c.696dup on transcript NM_015087.5 (MANE Select); coding-DNA position 696, one base duplicated (T; older notation c.696dupT).
Protein change: p.Val233fs; shifts the reading frame from valine 233.
Molecular consequence: frameshift variant.
Genome position (GRCh38, 1-based): chr13:36,335,135, A duplicated on the plus strand (T on the coding strand, the reverse complement: SPART is on the minus strand); the first of 8 consecutive A bases (chr13:36,335,135-36,335,142); duplicating any one gives the same sequence. VCF-style (leftmost placement, unchanged base first): chr13-36335134-C-CA. GRCh37 (hg19) VCF-style: chr13-36909271-C-CA.
Other names: c.696dup, p.Val233fs (NM_001142294.2, NM_001142295.2, NM_001142296.2); c.696dupT (NM_015087.4); c.696dup (NM_015087.4); short protein forms V233fs.
Identifiers: ClinVar variation 1878642 (VCV001878642.7), dbSNP rs770560051, ClinGen allele CA6949595.